The following is an entry in ClinVar:

NM_001184.4(ATR):c.3755T>C (p.Ile1252Thr)

Gene: ATR (ATR checkpoint kinase; minus strand). Cytogenetic location: 3q23.
Variant type: single nucleotide variant.
Coding change: c.3755T>C on transcript NM_001184.4 (MANE Select); coding-DNA position 3755, T replaced by C.
Protein change: p.Ile1252Thr; replaces isoleucine 1252 with threonine.
Molecular consequence: missense variant.
Genome position (GRCh38, 1-based): chr3:142,536,172, A>G on the plus strand (T>C on the coding strand, the complement: ATR is on the minus strand). VCF-style: chr3-142536172-A-G. GRCh37 (hg19) VCF-style: chr3-142255014-A-G.
Other names: c.3563T>C, p.Ile1188Thr (NM_001354579.2); short protein forms I1188T, I1252T.
Identifiers: ClinVar variation 1734597 (VCV001734597.2), dbSNP rs780585932, ClinGen allele CA2650007.

ClinVar aggregate classification (germline): Uncertain significance (1 of 4 stars; one submission).

Conditions:
Inborn genetic diseases. Identifiers: MedGen C0950123, MeSH D030342.

Allele frequency attached by ClinVar (database versions not stated): gnomAD exomes below 0.00001; ExAC 0.00001.

Submission:

Ambry Genetics
Classification: Uncertain significance for Inborn genetic diseases. Last evaluated: 2022-07-12. Review status: criteria provided, single submitter. Criteria: Ambry Variant Classification Scheme 2023. Collection method: clinical testing. Allele origin: germline.
Comment: The p.I1252T variant (also known as c.3755T>C), located in coding exon 20 of the ATR gene, results from a T to C substitution at nucleotide position 3755. The isoleucine at codon 1252 is replaced by threonine, an amino acid with similar properties. This amino acid position is conserved. In addition, the in silico prediction for this alteration is inconclusive. Since supporting evidence is limited at this time, the clinical significance of this alteration remains unclear.